The following is an entry in ClinVar:

ClinVar aggregate classification (germline): Uncertain significance (1 of 4 stars; one submission).

Submission:

Labcorp Genetics (formerly Invitae), Labcorp
Classification: Uncertain significance. Last evaluated: 2022-07-22. Review status: criteria provided, single submitter. Criteria: Invitae Variant Classification Sherloc (09022015). Collection method: clinical testing. Allele origin: germline.
Comment: This sequence change replaces arginine, which is basic and polar, with leucine, which is neutral and non-polar, at codon 626 of the GSN protein (p.Arg626Leu). This variant is not present in population databases (gnomAD no frequency). This variant has not been reported in the literature in individuals affected with GSN-related conditions. Algorithms developed to predict the effect of missense changes on protein structure and function (SIFT, PolyPhen-2, Align-GVGD) all suggest that this variant is likely to be tolerated. In summary, the available evidence is currently insufficient to determine the role of this variant in disease. Therefore, it has been classified as a Variant of Uncertain Significance.

NM_198252.3(GSN):c.1724G>T (p.Arg575Leu)

Gene: GSN (gelsolin; plus strand). Cytogenetic location: 9q33.2.
Variant type: single nucleotide variant.
Coding change: c.1724G>T on transcript NM_198252.3 (MANE Select); coding-DNA position 1724, G replaced by T.
Protein change: p.Arg575Leu; replaces arginine 575 with leucine.
Molecular consequence: missense variant.
Genome position (GRCh38, 1-based): chr9:121,327,444, G>T. VCF-style: chr9-121327444-G-T. GRCh37 (hg19) VCF-style: chr9-124089722-G-T.
Other names: c.1070G>T, p.Arg357Leu (NM_001353078.2); c.1877G>T, p.Arg626Leu (NM_000177.5); c.1724G>T, p.Arg575Leu (NM_001127662.2, NM_001127664.2, NM_001127665.2 and 10 more transcripts); c.1832G>T, p.Arg611Leu (NM_001127663.2); c.1757G>T, p.Arg586Leu (NM_001127666.2, NM_001127667.2, NM_001353063.2 and 13 more transcripts); c.1775G>T, p.Arg592Leu (NM_001258029.2); c.1748G>T, p.Arg583Leu (NM_001258030.2); c.1796G>T, p.Arg599Leu (NM_001353076.2); short protein forms R599L, R626L, R583L, R357L, R611L, R575L, R586L, R592L.
Identifiers: ClinVar variation 1930946 (VCV001930946.5), dbSNP rs572579017, ClinGen allele CA374756037.